The following is an entry in ClinVar:

ClinVar aggregate classification (germline): Uncertain significance (1 of 4 stars; one submission).

Conditions:
Congenital myasthenic syndrome 8. Also called: Myasthenic syndrome, congenital, 8, with pre- and postsynaptic defects; MYASTHENIC SYNDROME, CONGENITAL, DUE TO AGRIN DEFICIENCY. Identifiers: Orphanet 590, MedGen C3808739, MONDO:0014052, OMIM 615120.

Submission:

Labcorp Genetics (formerly Invitae), Labcorp
Classification: Uncertain significance for Congenital myasthenic syndrome 8. Last evaluated: 2018-04-27. Review status: criteria provided, single submitter. Criteria: Invitae Variant Classification Sherloc (09022015). Collection method: clinical testing. Allele origin: germline.
Comment: In summary, the available evidence is currently insufficient to determine the role of this variant in disease. Therefore, it has been classified as a Variant of Uncertain Significance. Algorithms developed to predict the effect of missense changes on protein structure and function output the following: SIFT: "Tolerated"; PolyPhen-2: "Benign"; Align-GVGD: "Class C0". The glutamic acid amino acid residue is found in multiple mammalian species, suggesting that this missense change does not adversely affect protein function. These predictions have not been confirmed by published functional studies and their clinical significance is uncertain. This variant has not been reported in the literature in individuals with AGRN-related disease. This variant is not present in population databases (ExAC no frequency). This sequence change replaces aspartic acid with glutamic acid at codon 1193 of the AGRN protein (p.Asp1193Glu). The aspartic acid residue is moderately conserved and there is a small physicochemical difference between aspartic acid and glutamic acid.

NM_198576.4(AGRN):c.3579C>G (p.Asp1193Glu)

Gene: AGRN (agrin; plus strand). Cytogenetic location: 1p36.33.
Variant type: single nucleotide variant.
Coding change: c.3579C>G on transcript NM_198576.4 (MANE Select); coding-DNA position 3579, C replaced by G.
Protein change: p.Asp1193Glu; replaces aspartic acid 1193 with glutamic acid.
Molecular consequence: missense variant.
Genome position (GRCh38, 1-based): chr1:1,047,635, C>G. VCF-style: chr1-1047635-C-G. GRCh37 (hg19) VCF-style: chr1-983015-C-G.
Other names: c.3579C>G, p.Asp1193Glu (NM_001305275.2); c.3264C>G, p.Asp1088Glu (NM_001364727.2); short protein forms D1193E, D1088E.
Identifiers: ClinVar variation 574597 (VCV000574597.8), dbSNP rs924458131, ClinGen allele CA337850787.